The following is an entry in ClinVar:

NM_006648.4(WNK2):c.4166C>G (p.Pro1389Arg)

Gene: WNK2 (WNK lysine deficient protein kinase 2; plus strand). Cytogenetic location: 9q22.31.
Variant type: single nucleotide variant.
Coding change: c.4166C>G on transcript NM_006648.4 (MANE Select); coding-DNA position 4166, C replaced by G.
Protein change: p.Pro1389Arg; replaces proline 1389 with arginine.
Molecular consequence: missense variant.
Genome position (GRCh38, 1-based): chr9:93,288,920, C>G. VCF-style: chr9-93288920-C-G. GRCh37 (hg19) VCF-style: chr9-96051202-C-G.
Other names: c.4277C>G, p.Pro1426Arg (NM_001282394.3); short protein forms P1389R, P1426R.
Identifiers: ClinVar variation 4835946 (VCV004835946.2).

ClinVar aggregate classification (germline): Uncertain significance (1 of 4 stars; one submission).

gnomAD v4.1: 9 of 1,606,912 alleles (0.00056%); highest among the groups gnomAD compares: African/African-American, 0.0013%; no homozygotes.

Submission:

Ambry Genetics
Classification: Uncertain significance. Last evaluated: 2026-03-16. Review status: criteria provided, single submitter. Criteria: Ambry Variant Classification Scheme 2023. Collection method: clinical testing. Allele origin: germline.
Comment: The p.P1389R variant (also known as c.4166C>G), located in coding exon 19 of the WNK2 gene, results from a C to G substitution at nucleotide position 4166. The proline at codon 1389 is replaced by arginine, an amino acid with dissimilar properties. This amino acid position is conserved. In addition, this alteration is predicted to be tolerated by in silico analysis. Based on the available evidence, the clinical significance of this variant remains unclear.